The following is an entry in ClinVar:

NM_020433.5(JPH2):c.1784C>T (p.Ala595Val)

Gene: JPH2 (junctophilin 2; minus strand). Cytogenetic location: 20q13.12.
Variant type: single nucleotide variant.
Coding change: c.1784C>T on transcript NM_020433.5 (MANE Select); coding-DNA position 1784, C replaced by T.
Protein change: p.Ala595Val; replaces alanine 595 with valine.
Molecular consequence: missense variant.
Genome position (GRCh38, 1-based): chr20:44,115,891, G>A on the plus strand (C>T on the coding strand, the complement: JPH2 is on the minus strand). VCF-style: chr20-44115891-G-A. GRCh37 (hg19) VCF-style: chr20-42744531-G-A.
Other names: short protein forms A595V.
Identifiers: ClinVar variation 3370061 (VCV003370061.1).

ClinVar aggregate classification (germline): Uncertain significance (1 of 4 stars; one submission).

gnomAD v4.1: 4 of 1,578,472 alleles (0.00025%); highest among the groups gnomAD compares: African/African-American, 0.0027%; no homozygotes.

Submission:

GeneDx
Classification: Uncertain significance. Last evaluated: 2023-12-26. Review status: criteria provided, single submitter. Criteria: GeneDx Variant Classification Process June 2021. Collection method: clinical testing. Allele origin: germline. Affected: yes.
Comment: Not observed at significant frequency in large population cohorts (gnomAD); In silico analysis supports that this missense variant does not alter protein structure/function; Has not been previously published as pathogenic or benign to our knowledge